The following is an entry in ClinVar:

ClinVar aggregate classification (germline): Uncertain significance (1 of 4 stars; one submission).

Conditions:
Hereditary breast ovarian cancer syndrome. Also called: BRCA1- and BRCA2-Associated Hereditary Breast and Ovarian Cancer; Hereditary breast and ovarian cancer; Hereditary breast and ovarian cancer syndrome (HBOC); Hereditary breast and ovarian cancer syndrome; Hereditary breast and/or ovarian cancer syndrome; Breast and ovarian cancer. Identifiers: Orphanet 145, MedGen C0677776, MeSH D061325, MONDO:0003582. Disease mechanism: loss of function.

Allele frequency attached by ClinVar (database versions not stated): gnomAD exomes below 0.00001.
gnomAD v4.1: 1 of 1,613,916 alleles (0.000062%); highest among the groups gnomAD compares: Non-Finnish European, 0.000085%; no homozygotes.

Submission:

Labcorp Genetics (formerly Invitae), Labcorp
Classification: Uncertain significance for Hereditary breast ovarian cancer syndrome. Last evaluated: 2023-11-17. Review status: criteria provided, single submitter. Criteria: Invitae Variant Classification Sherloc (09022015). Collection method: clinical testing. Allele origin: germline.
Comment: This sequence change replaces lysine, which is basic and polar, with glutamic acid, which is acidic and polar, at codon 1795 of the BRCA2 protein (p.Lys1795Glu). This variant is not present in population databases (gnomAD no frequency). This variant has not been reported in the literature in individuals affected with BRCA2-related conditions. Advanced modeling of protein sequence and biophysical properties (such as structural, functional, and spatial information, amino acid conservation, physicochemical variation, residue mobility, and thermodynamic stability) performed at Invitae indicates that this missense variant is not expected to disrupt BRCA2 protein function with a negative predictive value of 95%. In summary, the available evidence is currently insufficient to determine the role of this variant in disease. Therefore, it has been classified as a Variant of Uncertain Significance.

NM_000059.4(BRCA2):c.5383A>G (p.Lys1795Glu)

Gene: BRCA2 (BRCA2 DNA repair associated; plus strand). Cytogenetic location: 13q13.1.
Variant type: single nucleotide variant.
Coding change: c.5383A>G on transcript NM_000059.4 (MANE Select); coding-DNA position 5383, A replaced by G.
Protein change: p.Lys1795Glu; replaces lysine 1795 with glutamic acid.
Molecular consequence: missense variant.
Genome position (GRCh38, 1-based): chr13:32,339,738, A>G. VCF-style: chr13-32339738-A-G. GRCh37 (hg19) VCF-style: chr13-32913875-A-G.
Other names: short protein forms K1795E.
Identifiers: ClinVar variation 2696537 (VCV002696537.3), dbSNP rs2137516982, ClinGen allele CA387785213.